The following is an entry in ClinVar:

ClinVar aggregate classification (germline): Uncertain significance (1 of 4 stars; one submission).

Conditions:
Inborn genetic diseases. Identifiers: MedGen C0950123, MeSH D030342.

Submission:

Ambry Genetics
Classification: Uncertain significance for Inborn genetic diseases. Last evaluated: 2026-08-05. Review status: criteria provided, single submitter. Criteria: Ambry Variant Classification Scheme 2023. Collection method: clinical testing. Allele origin: germline.
Comment: The p.A924G variant (also known as c.2771C>G), located in coding exon 12 of the BMPR2 gene, results from a C to G substitution at nucleotide position 2771. The alanine at codon 924 is replaced by glycine, an amino acid with similar properties. This amino acid position is conserved. In addition, this alteration is predicted to be tolerated by in silico analysis. Based on the available evidence, the clinical significance of this variant remains unclear.

NM_001204.7(BMPR2):c.2771C>G (p.Ala924Gly)

Gene: BMPR2 (bone morphogenetic protein receptor type 2; plus strand). Cytogenetic location: 2q33.2.
Variant type: single nucleotide variant.
Coding change: c.2771C>G on transcript NM_001204.7 (MANE Select); coding-DNA position 2771, C replaced by G.
Protein change: p.Ala924Gly; replaces alanine 924 with glycine.
Molecular consequence: missense variant.
Genome position (GRCh38, 1-based): chr2:202,556,436, C>G. VCF-style: chr2-202556436-C-G. GRCh37 (hg19) VCF-style: chr2-203421159-C-G.
Other names: short protein forms A924G.
Identifiers: ClinVar variation 5033109 (VCV005033109.1).